The following is an entry in ClinVar:

ClinVar aggregate classification (germline): Uncertain significance (1 of 4 stars; one submission).

Submission:

Labcorp Genetics (formerly Invitae), Labcorp
Classification: Uncertain significance. Last evaluated: 2025-05-27. Review status: criteria provided, single submitter. Criteria: Invitae Variant Classification Sherloc (09022015). Collection method: clinical testing. Allele origin: germline.
Comment: This sequence change replaces serine, which is neutral and polar, with alanine, which is neutral and non-polar, at codon 71 of the IRF2BP2 protein (p.Ser71Ala). This variant is not present in population databases (gnomAD no frequency). This variant has not been reported in the literature in individuals affected with IRF2BP2-related conditions. ClinVar contains an entry for this variant (Variation ID: 2816009). An algorithm developed to predict the effect of missense changes on protein structure and function (PolyPhen-2) suggests that this variant is likely to be tolerated. In summary, the available evidence is currently insufficient to determine the role of this variant in disease. Therefore, it has been classified as a Variant of Uncertain Significance.

NM_182972.3(IRF2BP2):c.211T>G (p.Ser71Ala)

Gene: IRF2BP2 (interferon regulatory factor 2 binding protein 2; minus strand). Cytogenetic location: 1q42.3.
Variant type: single nucleotide variant.
Coding change: c.211T>G on transcript NM_182972.3 (MANE Select); coding-DNA position 211, T replaced by G.
Protein change: p.Ser71Ala; replaces serine 71 with alanine.
Molecular consequence: missense variant.
Genome position (GRCh38, 1-based): chr1:234,609,284, A>C on the plus strand (T>G on the coding strand, the complement: IRF2BP2 is on the minus strand). VCF-style: chr1-234609284-A-C. GRCh37 (hg19) VCF-style: chr1-234745030-A-C.
Other names: c.211T>G, p.Ser71Ala (NM_001077397.1); short protein forms S71A.
Identifiers: ClinVar variation 2816009 (VCV002816009.3), dbSNP rs970663403, ClinGen allele CA345311581.